The following is an entry in ClinVar:

ClinVar aggregate classification (germline): Benign (1 of 4 stars; one submission).

Conditions:
Nemaline myopathy 6 (NEM6). Also called: Nemaline myopathy 6, autosomal dominant. Identifiers: Orphanet 171439, MedGen C1836472, MONDO:0012237, OMIM 609273.

Allele frequency attached by ClinVar (database versions not stated): 1000 Genomes Project 30x 0.00078; 1000 Genomes Project 0.00100; gnomAD 0.00252 and 0.00261; TOPMed 0.00273.

Submission:

Illumina Laboratory Services, Illumina
Classification: Benign for Nemaline myopathy 6. Last evaluated: 2018-01-12. Review status: criteria provided, single submitter. Criteria: ICSL Variant Classification Criteria 13 December 2019. Collection method: clinical testing. Allele origin: germline.
Comment: This variant was observed in the ICSL laboratory as part of a predisposition screen in an ostensibly healthy population. It had not been previously curated by ICSL or reported in the Human Gene Mutation Database (HGMD: prior to June 1st, 2018), and was therefore a candidate for classification through an automated scoring system. Utilizing variant allele frequency, disease prevalence and penetrance estimates, and inheritance mode, an automated score was calculated to assess if this variant is too frequent to cause the disease. Based on the score and internal cut-off values, a variant classified as benign is not then subjected to further curation. The score for this variant resulted in a classification of benign for this disease.

NM_001101362.3(KBTBD13):c.*1122C>T

Gene: KBTBD13 (kelch repeat and BTB domain containing 13; plus strand). Cytogenetic location: 15q22.31.
Variant type: single nucleotide variant.
Coding change: c.*1122C>T on transcript NM_001101362.3 (MANE Select); 1122 bases downstream of the stop codon, C replaced by T.
Molecular consequence: 3 prime UTR variant.
Genome position (GRCh38, 1-based): chr15:65,079,314, C>T. VCF-style: chr15-65079314-C-T. GRCh37 (hg19) VCF-style: chr15-65371652-C-T.
Identifiers: ClinVar variation 316769 (VCV000316769.5), dbSNP rs111801368, ClinGen allele CA10647268.